The following is an entry in ClinVar:

NM_000094.4(COL7A1):c.5440C>T (p.Arg1814Cys)

Gene: COL7A1 (collagen type VII alpha 1 chain; minus strand). Cytogenetic location: 3p21.31.
Variant type: single nucleotide variant.
Coding change: c.5440C>T on transcript NM_000094.4 (MANE Select); coding-DNA position 5440, C replaced by T.
Protein change: p.Arg1814Cys; replaces arginine 1814 with cysteine.
Molecular consequence: missense variant.
Genome position (GRCh38, 1-based): chr3:48,578,500, G>A on the plus strand (C>T on the coding strand, the complement: COL7A1 is on the minus strand). VCF-style: chr3-48578500-G-A. GRCh37 (hg19) VCF-style: chr3-48615933-G-A.
Other names: short protein forms R1814C.
Identifiers: ClinVar variation 1047935 (VCV001047935.11), dbSNP rs778035441, ClinGen allele CA2379494.

ClinVar aggregate classification (germline): Pathogenic/Likely pathogenic. Review status: criteria provided, multiple submitters, no conflicts (2 of 4 stars). 4 submissions from 4 submitters: Pathogenic (3); Likely pathogenic (1). Last evaluated 2025-07-27.

Conditions:
Epidermolysis bullosa dystrophica. Also called: Dystrophic epidermolysis bullosa, Hallopeau-Siemens type (formerly); Dystrophic epidermolysis bullosa. Identifiers: Orphanet 303, MedGen C0079294, MONDO:0006543.

Allele frequency attached by ClinVar (database versions not stated): ExAC 0.00001; TOPMed 0.00001; gnomAD exomes 0.00002.
gnomAD v4.1: 17 of 1,612,316 alleles (0.0011%); highest among the groups gnomAD compares: Admixed American, 0.005%; no homozygotes.

Submissions (4):

Natera, Inc.
Classification: Pathogenic for Dystrophic epidermolysis bullosa. Last evaluated: 2025-07-27. Review status: criteria provided, single submitter. Criteria: Natera Variant Classification Schema (03/2026). Collection method: clinical testing. Allele origin: germline.
Comment: The c.5440C>T variant in COL7A1 is a missense variant predicted to cause substitution of arginine to cysteine at amino acid 1814. This variant is rare in the general population with a frequency below the threshold expected for the associated phenotype(s). This variant has been observed in one or more individuals affected with the associated recessive disease, as either homozygous or compound heterozygous with a second variant (PMID: 31670199, 17425959, 20184583, 36809127, 35432467). Computational prediction algorithms indicate this variant is likely to affect gene or protein function. Given the available evidence, this variant is classified as Pathogenic.

Labcorp Genetics (formerly Invitae), Labcorp
Classification: Pathogenic. Last evaluated: 2023-12-30. Review status: criteria provided, single submitter. Criteria: Invitae Variant Classification Sherloc (09022015). Collection method: clinical testing. Allele origin: germline.
Comment: This sequence change replaces arginine, which is basic and polar, with cysteine, which is neutral and slightly polar, at codon 1814 of the COL7A1 protein (p.Arg1814Cys). This variant is present in population databases (rs778035441, gnomAD 0.009%). This missense change has been observed in individual(s) with autosomal recessive epidermolysis bullosa dystrophica (PMID: 17425959, 20184583, 35432467). In at least one individual the data is consistent with being in trans (on the opposite chromosome) from a pathogenic variant. ClinVar contains an entry for this variant (Variation ID: 1047935). Advanced modeling of protein sequence and biophysical properties (such as structural, functional, and spatial information, amino acid conservation, physicochemical variation, residue mobility, and thermodynamic stability) has been performed at Invitae for this missense variant, however the output from this modeling did not meet the statistical confidence thresholds required to predict the impact of this variant on COL7A1 protein function. This variant disrupts the p.Arg1814 amino acid residue in COL7A1. Other variant(s) that disrupt this residue have been determined to be pathogenic (Invitae). This suggests that this residue is clinically significant, and that variants that disrupt this residue are likely to be disease-causing. For these reasons, this variant has been classified as Pathogenic.

GeneDx
Classification: Likely pathogenic. Last evaluated: 2020-12-30. Review status: criteria provided, single submitter. Criteria: GeneDx Variant Classification Process June 2021. Collection method: clinical testing. Allele origin: germline. Affected: yes.
Comment: In silico analysis supports that this missense variant has a deleterious effect on protein structure/function; This variant is associated with the following publications: (PMID: 20920254, 17425959, 20184583)

Biomedical Innovation Departament, CIEMAT
Classification: Pathogenic for Dystrophic epidermolysis bullosa. Last evaluated: 2009-07-17. Review status: criteria provided, single submitter. Criteria: ACMG Guidelines, 2015. Collection method: research. Allele origin: germline. Affected: yes. Observed: 1 variant allele.

Literature cited by the submitters: PubMed 31670199 (cited by Natera, Inc.); PubMed 17425959 (cited by 3 submitters); PubMed 20184583 (cited by Natera, Inc. and Labcorp Genetics (formerly Invitae), Labcorp); PubMed 36809127 (cited by Natera, Inc.); PubMed 35432467 (cited by Natera, Inc. and Labcorp Genetics (formerly Invitae), Labcorp).